The following is an entry in ClinVar:

NM_000051.4(ATM):c.523T>G (p.Tyr175Asp)

Gene: ATM (ATM serine/threonine kinase; plus strand). Cytogenetic location: 11q22.3.
Variant type: single nucleotide variant.
Coding change: c.523T>G on transcript NM_000051.4 (MANE Select); coding-DNA position 523, T replaced by G.
Protein change: p.Tyr175Asp; replaces tyrosine 175 with aspartic acid.
Molecular consequence: missense variant.
Genome position (GRCh38, 1-based): chr11:108,243,979, T>G. VCF-style: chr11-108243979-T-G. GRCh37 (hg19) VCF-style: chr11-108114706-T-G.
Other names: c.523T>G, p.Tyr175Asp (NM_001351834.2); short protein forms Y175D.
Identifiers: ClinVar variation 928705 (VCV000928705.1), dbSNP rs2079697425, ClinGen allele CA382527548.

ClinVar aggregate classification (germline): Uncertain significance (1 of 4 stars; one submission).

Submission:

Women's Health and Genetics/Laboratory Corporation of America, LabCorp
Classification: Uncertain significance. Last evaluated: 2019-07-15. Review status: criteria provided, single submitter. Criteria: LabCorp Variant Classification Summary - May 2015. Collection method: clinical testing. Allele origin: germline.
Comment: Variant summary: ATM c.523T>G (p.Tyr175Asp) results in a non-conservative amino acid change in the encoded protein sequence. Three of five in-silico tools predict a damaging effect of the variant on protein function. The variant was absent in 235824 control chromosomes. The available data on variant occurrences in the general population are insufficient to allow any conclusion about variant significance. To our knowledge, no occurrence of c.523T>G in individuals affected with Breast Cancer and no experimental evidence demonstrating its impact on protein function have been reported. No clinical diagnostic laboratories have submitted clinical-significance assessments for this variant to ClinVar after 2014. Based on the evidence outlined above, the variant was classified as uncertain significance.